The following is an entry in ClinVar:

NM_031935.3(HMCN1):c.4018G>T (p.Ala1340Ser)

Gene: HMCN1 (hemicentin 1; plus strand). Cytogenetic location: 1q31.1.
Variant type: single nucleotide variant.
Coding change: c.4018G>T on transcript NM_031935.3 (MANE Select); coding-DNA position 4018, G replaced by T.
Protein change: p.Ala1340Ser; replaces alanine 1340 with serine.
Molecular consequence: missense variant.
Genome position (GRCh38, 1-based): chr1:186,000,188, G>T. VCF-style: chr1-186000188-G-T. GRCh37 (hg19) VCF-style: chr1-185969320-G-T.
Other names: short protein forms A1340S.
Identifiers: ClinVar variation 3006277 (VCV003006277.3), dbSNP rs1571692286, ClinGen allele CA343874925.

ClinVar aggregate classification (germline): Uncertain significance (1 of 4 stars; one submission).

Submission:

Labcorp Genetics (formerly Invitae), Labcorp
Classification: Uncertain significance. Last evaluated: 2023-05-19. Review status: criteria provided, single submitter. Criteria: Invitae Variant Classification Sherloc (09022015). Collection method: clinical testing. Allele origin: germline.
Comment: This variant is not present in population databases (gnomAD no frequency). This sequence change replaces alanine, which is neutral and non-polar, with serine, which is neutral and polar, at codon 1340 of the HMCN1 protein (p.Ala1340Ser). In summary, the available evidence is currently insufficient to determine the role of this variant in disease. Therefore, it has been classified as a Variant of Uncertain Significance. An algorithm developed to predict the effect of missense changes on protein structure and function (PolyPhen-2) suggests that this variant is likely to be disruptive. This variant has not been reported in the literature in individuals affected with HMCN1-related conditions.